The following is an entry in ClinVar:

NM_016138.5(COQ7):c.545A>G (p.His182Arg)

Gene: COQ7 (coenzyme Q7, hydroxylase; plus strand). Cytogenetic location: 16p12.3.
Variant type: single nucleotide variant.
Coding change: c.545A>G on transcript NM_016138.5 (MANE Select); coding-DNA position 545, A replaced by G.
Protein change: p.His182Arg; replaces histidine 182 with arginine.
Molecular consequence: missense variant. On other transcripts: non-coding transcript variant (3), intron variant (3).
Genome position (GRCh38, 1-based): chr16:19,077,343, A>G. VCF-style: chr16-19077343-A-G. GRCh37 (hg19) VCF-style: chr16-19088665-A-G.
Other names: p.His182Arg; c.431A>G, p.His144Arg (NM_001190983.2, NM_001370492.1, NM_001370493.1 and 1 more transcripts); c.503A>G, p.His168Arg (NM_001370489.1); c.508-738A>G (NM_001370490.1); c.394-738A>G (NM_001370495.1); c.466-738A>G (NM_001370491.1); short protein forms H144R, H182R, H168R.
Identifiers: ClinVar variation 709919 (VCV000709919.17), dbSNP rs139931303, ClinGen allele CA7933065.
Genomic context (GRCh38, chr16:19,077,343, plus strand): 5'-TTGGTGTCTTTTTATTTAACCAGCTGATAAAGAAATTTCGGGATGAAGAGCTTGAGCACC[A>G]TGACATAGGCCTCGACCATGATGCAGAATTGGTAGGGCCCTACTGTTACCTGTTCTGCTT-3'
Protein context (NP_057222.2, residues 172-192): KKFRDEELEH[His182Arg]DIGLDHDAEL

ClinVar aggregate classification (germline): Conflicting classifications of pathogenicity. Review status: criteria provided, conflicting classifications (1 of 4 stars). 4 submissions from 4 submitters: Uncertain significance (1); Benign (1); Likely benign (1). 1 of the submissions does not count toward it. Last evaluated 2025-12-11.

Conditions:
COQ7-related disorder. Also called: COQ7-related condition.

Allele frequency attached by ClinVar (database versions not stated): gnomAD exomes 0.00021 and 0.00051; 1000 Genomes Project 30x 0.00062; ExAC 0.00062; 1000 Genomes Project 0.00080; gnomAD 0.00162 and 0.00173; TOPMed 0.00179; ESP Exome Variant Server 0.00208.

Submissions (4):

Labcorp Genetics (formerly Invitae), Labcorp
Classification: Likely benign. Last evaluated: 2025-12-11. Review status: criteria provided, single submitter. Criteria: Invitae Variant Classification Sherloc (09022015). Collection method: clinical testing. Allele origin: germline.

Mayo Clinic Laboratories, Mayo Clinic
Classification: Uncertain significance. Last evaluated: 2025-05-12. Review status: criteria provided, single submitter. Criteria: ACMG Guidelines, 2015. Collection method: clinical testing. Allele origin: germline. Observed: 4 variant alleles.
Comment: BS1

GeneDx
Classification: Benign. Last evaluated: 2021-03-10. Review status: criteria provided, single submitter. Criteria: GeneDx Variant Classification Process June 2021. Collection method: clinical testing. Allele origin: germline. Affected: yes.

PreventionGenetics, part of Exact Sciences
Classification: Likely benign for COQ7-related condition. Last evaluated: 2020-03-09. Review status: no assertion criteria provided. Collection method: clinical testing. Allele origin: germline. Not counted in ClinVar's aggregate classification.
Comment: This variant is classified as likely benign based on ACMG/AMP sequence variant interpretation guidelines (Richards et al. 2015 PMID: 25741868, with internal and published modifications).